The following is an entry in ClinVar:

NM_001844.5(COL2A1):c.242C>G (p.Pro81Arg)

Gene: COL2A1 (collagen type II alpha 1 chain; minus strand). Cytogenetic location: 12q13.11.
Variant type: single nucleotide variant.
Coding change: c.242C>G on transcript NM_001844.5 (MANE Select); coding-DNA position 242, C replaced by G.
Protein change: p.Pro81Arg; replaces proline 81 with arginine.
Molecular consequence: missense variant. On other transcripts: intron variant (1).
Genome position (GRCh38, 1-based): chr12:47,999,969, G>C on the plus strand (C>G on the coding strand, the complement: COL2A1 is on the minus strand). VCF-style: chr12-47999969-G-C. GRCh37 (hg19) VCF-style: chr12-48393752-G-C.
Other names: c.86-1538C>G (NM_033150.3); short protein forms P81R.
Identifiers: ClinVar variation 2810351 (VCV002810351.3), dbSNP rs1940153785, ClinGen allele CA384526000.
Genomic context (GRCh38, chr12:47,999,969, plus strand): 5'-AAATTACAACCACTGGCAGTGGCGAGGTCAGTTGGGCAGATGGGGCAGCACTCTCCGAAG[G>C]GGATCTCAGGGCTGAGGCAGTCTTTCACGTCTTCACAGATTATGTCGTCGCAGAGGACAG-3'
Protein context (NP_001835.3, residues 71-91): DVKDCLSPEI[Pro81Arg]FGECCPICPT

ClinVar aggregate classification (germline): Uncertain significance (1 of 4 stars; one submission).

Allele frequency attached by ClinVar (database versions not stated): gnomAD exomes below 0.00001; TOPMed below 0.00001; gnomAD 0.00001.
gnomAD v4.1: 2 of 1,614,108 alleles (0.00012%); highest among the groups gnomAD compares: Non-Finnish European, 0.00017%; no homozygotes.

Submission:

Labcorp Genetics (formerly Invitae), Labcorp
Classification: Uncertain significance. Last evaluated: 2023-06-10. Review status: criteria provided, single submitter. Criteria: Invitae Variant Classification Sherloc (09022015). Collection method: clinical testing. Allele origin: germline.
Comment: In summary, the available evidence is currently insufficient to determine the role of this variant in disease. Therefore, it has been classified as a Variant of Uncertain Significance. Advanced modeling of protein sequence and biophysical properties (such as structural, functional, and spatial information, amino acid conservation, physicochemical variation, residue mobility, and thermodynamic stability) performed at Invitae indicates that this missense variant is not expected to disrupt COL2A1 protein function. This variant has not been reported in the literature in individuals affected with COL2A1-related conditions. This variant is not present in population databases (gnomAD no frequency). This sequence change replaces proline, which is neutral and non-polar, with arginine, which is basic and polar, at codon 81 of the COL2A1 protein (p.Pro81Arg).